The following is an entry in ClinVar:

ClinVar aggregate classification (germline): Uncertain significance (1 of 4 stars; one submission).

gnomAD v4.1: 8 of 1,568,022 alleles (0.00051%); highest among the groups gnomAD compares: Non-Finnish European, 0.00069%; no homozygotes.

Submission:

Labcorp Genetics (formerly Invitae), Labcorp
Classification: Uncertain significance. Last evaluated: 2024-07-03. Review status: criteria provided, single submitter. Criteria: Invitae Variant Classification Sherloc (09022015). Collection method: clinical testing. Allele origin: germline.
Comment: This sequence change replaces threonine, which is neutral and polar, with isoleucine, which is neutral and non-polar, at codon 458 of the RELA protein (p.Thr458Ile). This variant is present in population databases (rs758168856, gnomAD 0.001%). This variant has not been reported in the literature in individuals affected with RELA-related conditions. An algorithm developed to predict the effect of missense changes on protein structure and function (PolyPhen-2) suggests that this variant is likely to be disruptive. In summary, the available evidence is currently insufficient to determine the role of this variant in disease. Therefore, it has been classified as a Variant of Uncertain Significance.

NM_021975.4(RELA):c.1373C>T (p.Thr458Ile)

Gene: RELA (RELA proto-oncogene, NF-kB subunit; minus strand). Cytogenetic location: 11q13.1.
Variant type: single nucleotide variant.
Coding change: c.1373C>T on transcript NM_021975.4 (MANE Select); coding-DNA position 1373, C replaced by T.
Protein change: p.Thr458Ile; replaces threonine 458 with isoleucine.
Molecular consequence: missense variant. On other transcripts: intron variant (1).
Genome position (GRCh38, 1-based): chr11:65,654,661, G>A on the plus strand (C>T on the coding strand, the complement: RELA is on the minus strand). VCF-style: chr11-65654661-G-A. GRCh37 (hg19) VCF-style: chr11-65422132-G-A.
Other names: c.1364C>T, p.Thr455Ile (NM_001145138.2); c.1166C>T, p.Thr389Ile (NM_001243984.2); c.1406C>T, p.Thr469Ile (NM_001404657.1); c.1346C>T, p.Thr449Ile (NM_001404658.1); c.1160C>T, p.Thr387Ile (NM_001404659.1); c.1055C>T, p.Thr352Ile (NM_001404660.1); c.992C>T, p.Thr331Ile (NM_001404661.1); c.1280C>T, p.Thr427Ile (NM_001404662.1, NM_001404663.1); and 1 more; short protein forms T331I, T352I, T387I, T389I, T427I, T449I, T455I, T458I.
Identifiers: ClinVar variation 3624184 (VCV003624184.2).